The following is an entry in ClinVar:

ClinVar aggregate classification (germline): Uncertain significance (1 of 4 stars; one submission).

Submission:

Dasa
Classification: Uncertain significance. Last evaluated: 2026-03-12. Review status: criteria provided, single submitter. Criteria: DASA Assertion Criteria. Collection method: clinical testing. Allele origin: germline.
Comment: NM_001142864.4(PIEZO1):c.1496T>A (p.Val499Asp) is a missense variant that results in the substitution of valine with aspartic acid. This variant is absent from population databases. Computational prediction algorithms are consistent with a deleterious effect. The currently available literature and clinical evidence are not sufficient to establish a definitive association between this variant and the reported condition. Therefore, this variant is classified as a variant of uncertain significance.

NM_001142864.4(PIEZO1):c.1496T>A (p.Val499Asp)

Genes: HSALR1 (HSP90AB1 associated lncRNA 1; plus strand), PIEZO1 (piezo type mechanosensitive ion channel component 1 (Er blood group); minus strand). Cytogenetic location: 16q24.3.
Variant type: single nucleotide variant.
Coding change: c.1496T>A on transcript NM_001142864.4 (MANE Select); coding-DNA position 1496, T replaced by A.
Protein change: p.Val499Asp; replaces valine 499 with aspartic acid.
Molecular consequence: missense variant.
Genome position (GRCh38, 1-based): chr16:88,736,209, A>T on the plus strand (T>A on the coding strand, the complement: PIEZO1 is on the minus strand). VCF-style: chr16-88736209-A-T. GRCh37 (hg19) VCF-style: chr16-88802617-A-T.
Other names: short protein forms V499D.
Identifiers: ClinVar variation 4885941 (VCV004885941.2).
Genomic context (GRCh38, chr16:88,736,209, plus strand): 5'-ATGGCACCAAGGTCCAGACAGGGGTAGCGGGTGTGCTCCAGCCCCAGCTGGCGCAGGCTG[A>T]CGGGGCCCAGGGTGGTGGGCAGCTCAGGGCGCAGGTCCATGGCCCACACGTAGCGTAGGC-3'
Protein context (NP_001136336.2, residues 489-509): RPELPTTLGP[Val499Asp]SLRQLGLEHT